The following is an entry in ClinVar:

NM_205850.3(SLC24A5):c.583G>A (p.Val195Ile)

Genes: MYEF2 (myelin expression factor 2; minus strand), SLC24A5 (solute carrier family 24 member 5; plus strand). Cytogenetic location: 15q21.1.
Variant type: single nucleotide variant.
Coding change: c.583G>A on transcript NM_205850.3 (MANE Select); coding-DNA position 583, G replaced by A.
Protein change: p.Val195Ile; replaces valine 195 with isoleucine.
Molecular consequence: missense variant. On other transcripts: 3 prime UTR variant (2).
Genome position (GRCh38, 1-based): chr15:48,134,977, G>A. VCF-style: chr15-48134977-G-A. GRCh37 (hg19) VCF-style: chr15-48427174-G-A.
Other names: c.*7931C>T (NM_001301210.2, NM_016132.5); short protein forms V195I.
Identifiers: ClinVar variation 1395574 (VCV001395574.6), dbSNP rs2140731169, ClinGen allele CA392451105.

ClinVar aggregate classification (germline): Uncertain significance (1 of 4 stars; one submission).

Submission:

Labcorp Genetics (formerly Invitae), Labcorp
Classification: Uncertain significance. Last evaluated: 2021-11-28. Review status: criteria provided, single submitter. Criteria: Invitae Variant Classification Sherloc (09022015). Collection method: clinical testing. Allele origin: germline.
Comment: In summary, the available evidence is currently insufficient to determine the role of this variant in disease. Therefore, it has been classified as a Variant of Uncertain Significance. Algorithms developed to predict the effect of missense changes on protein structure and function output the following: SIFT: "Tolerated"; PolyPhen-2: "Benign"; Align-GVGD: "Class C0". The isoleucine amino acid residue is found in multiple mammalian species, which suggests that this missense change does not adversely affect protein function. This variant has not been reported in the literature in individuals affected with SLC24A5-related conditions. This variant is not present in population databases (gnomAD no frequency). This sequence change replaces valine, which is neutral and non-polar, with isoleucine, which is neutral and non-polar, at codon 195 of the SLC24A5 protein (p.Val195Ile).